The following is an entry in ClinVar:

ClinVar aggregate classification (germline): Uncertain significance. Review status: criteria provided, multiple submitters, no conflicts (2 of 4 stars). 2 submissions from 2 submitters: Uncertain significance (2). Last evaluated 2025-08-10.

Conditions:
Short-rib thoracic dysplasia 8 with or without polydactyly (SRTD8). Also called: SHORT-RIB THORACIC DYSPLASIA 8 WITH POLYDACTYLY. Identifiers: Orphanet 93271, MedGen C3809691, MONDO:0014214, OMIM 615503.
Inborn genetic diseases. Identifiers: MedGen C0950123, MeSH D030342.

Allele frequency attached by ClinVar (database versions not stated): gnomAD exomes below 0.00001; gnomAD 0.00001; TOPMed 0.00001.
gnomAD v4.1: 2 of 1,613,328 alleles (0.00012%); highest among the groups gnomAD compares: African/African-American, 0.0027%; no homozygotes.

Submissions (2):

Ambry Genetics
Classification: Uncertain significance for Inborn genetic diseases. Last evaluated: 2025-08-10. Review status: criteria provided, single submitter. Criteria: Ambry Variant Classification Scheme 2023. Collection method: clinical testing. Allele origin: germline.

Labcorp Genetics (formerly Invitae), Labcorp
Classification: Uncertain significance for Short-rib thoracic dysplasia 8 with or without polydactyly. Last evaluated: 2022-01-14. Review status: criteria provided, single submitter. Criteria: Invitae Variant Classification Sherloc (09022015). Collection method: clinical testing. Allele origin: germline.
Comment: In summary, the available evidence is currently insufficient to determine the role of this variant in disease. Therefore, it has been classified as a Variant of Uncertain Significance. Algorithms developed to predict the effect of missense changes on protein structure and function are either unavailable or do not agree on the potential impact of this missense change (SIFT: "Deleterious"; PolyPhen-2: "Possibly Damaging"; Align-GVGD: "Class C15"). This variant has not been reported in the literature in individuals affected with WDR60-related conditions. This variant is not present in population databases (gnomAD no frequency). This sequence change replaces aspartic acid, which is acidic and polar, with glycine, which is neutral and non-polar, at codon 543 of the WDR60 protein (p.Asp543Gly).

NM_018051.5(DYNC2I1):c.1628A>G (p.Asp543Gly)

Gene: DYNC2I1 (dynein 2 intermediate chain 1; plus strand). Cytogenetic location: 7q36.3.
Variant type: single nucleotide variant.
Coding change: c.1628A>G on transcript NM_018051.5 (MANE Select); coding-DNA position 1628, A replaced by G.
Protein change: p.Asp543Gly; replaces aspartic acid 543 with glycine.
Molecular consequence: missense variant.
Genome position (GRCh38, 1-based): chr7:158,913,022, A>G. VCF-style: chr7-158913022-A-G. GRCh37 (hg19) VCF-style: chr7-158705713-A-G.
Other names: c.1628A>G (NM_018051.4); c.1490A>G, p.Asp497Gly (NM_001350914.2); c.1055A>G, p.Asp352Gly (NM_001350915.2); c.167A>G, p.Asp56Gly (NM_001350916.2); c.380A>G, p.Asp127Gly (NM_001350917.2, NM_001350918.2); short protein forms D127G, D352G, D497G, D543G, D56G.
Identifiers: ClinVar variation 1680684 (VCV001680684.9), dbSNP rs1585131344, ClinGen allele CA370191091.